The following is an entry in ClinVar:

ClinVar aggregate classification (germline): Benign (1 of 4 stars; one submission).

Allele frequency attached by ClinVar (database versions not stated): 1000 Genomes Project 30x 0.10509; 1000 Genomes Project 0.10663; TOPMed 0.12183; gnomAD 0.13233; gnomAD exomes 0.16663.
gnomAD v4.1: 254,230 of 1,559,794 alleles (16%); highest among the groups gnomAD compares: Non-Finnish European, 18%; 22,230 homozygotes.

Submissions (15):

Unidad de Genómica Garrahan, Hospital de Pediatría Garrahan
Classification: Benign. Last evaluated: 2023-11-12. Review status: criteria provided, single submitter. Criteria: ACMG Guidelines, 2015. Collection method: clinical testing. Allele origin: germline. Affected: no. Observed: 22 variant alleles.
Comment: This variant is classified as Benign based on local population frequency. This variant was detected in 23% of patients studied by a panel of primary immunodeficiencies. Number of patients: 22. Only high quality variants are reported.

Dr. Peter K. Rogan Lab, Western University
No classification provided (evidence only). Condition: Malignant lymphoma, large B-cell, diffuse. Review status: no classification provided. Collection method: in vitro. Allele origin: not applicable. Functional consequence: retained intron. Not counted in ClinVar's aggregate classification.

Dr. Peter K. Rogan Lab, Western University
No classification provided (evidence only). Condition: Malignant lymphoma, large B-cell, diffuse. Review status: no classification provided. Collection method: in vitro. Allele origin: not applicable. Functional consequence: retained intron. Not counted in ClinVar's aggregate classification.

Dr. Peter K. Rogan Lab, Western University
No classification provided (evidence only). Condition: Malignant lymphoma, large B-cell, diffuse. Review status: no classification provided. Collection method: in vitro. Allele origin: not applicable. Functional consequence: retained intron. Not counted in ClinVar's aggregate classification.

Dr. Peter K. Rogan Lab, Western University
No classification provided (evidence only). Condition: Malignant lymphoma, large B-cell, diffuse. Review status: no classification provided. Collection method: in vitro. Allele origin: not applicable. Functional consequence: retained intron. Not counted in ClinVar's aggregate classification.

Dr. Peter K. Rogan Lab, Western University
No classification provided (evidence only). Condition: Hepatocellular carcinoma. Review status: no classification provided. Collection method: in vitro. Allele origin: not applicable. Functional consequence: retained intron. Not counted in ClinVar's aggregate classification.

Dr. Peter K. Rogan Lab, Western University
No classification provided (evidence only). Condition: Cholangiocarcinoma. Review status: no classification provided. Collection method: in vitro. Allele origin: not applicable. Functional consequence: retained intron. Not counted in ClinVar's aggregate classification.

Dr. Peter K. Rogan Lab, Western University
No classification provided (evidence only). Condition: Cholangiocarcinoma. Review status: no classification provided. Collection method: in vitro. Allele origin: not applicable. Functional consequence: retained intron. Not counted in ClinVar's aggregate classification.

Dr. Peter K. Rogan Lab, Western University
No classification provided (evidence only). Condition: Cholangiocarcinoma. Review status: no classification provided. Collection method: in vitro. Allele origin: not applicable. Functional consequence: retained intron. Not counted in ClinVar's aggregate classification.

Dr. Peter K. Rogan Lab, Western University
No classification provided (evidence only). Condition: Cholangiocarcinoma. Review status: no classification provided. Collection method: in vitro. Allele origin: not applicable. Functional consequence: retained intron. Not counted in ClinVar's aggregate classification.

Dr. Peter K. Rogan Lab, Western University
No classification provided (evidence only). Condition: Uterine carcinosarcoma. Review status: no classification provided. Collection method: in vitro. Allele origin: not applicable. Functional consequence: retained intron. Not counted in ClinVar's aggregate classification.

Dr. Peter K. Rogan Lab, Western University
No classification provided (evidence only). Condition: Uterine carcinosarcoma. Review status: no classification provided. Collection method: in vitro. Allele origin: not applicable. Functional consequence: retained intron. Not counted in ClinVar's aggregate classification.

Dr. Peter K. Rogan Lab, Western University
No classification provided (evidence only). Condition: Uterine carcinosarcoma. Review status: no classification provided. Collection method: in vitro. Allele origin: not applicable. Functional consequence: retained intron. Not counted in ClinVar's aggregate classification.

Dr. Peter K. Rogan Lab, Western University
No classification provided (evidence only). Condition: Uterine carcinosarcoma. Review status: no classification provided. Collection method: in vitro. Allele origin: not applicable. Functional consequence: retained intron. Not counted in ClinVar's aggregate classification.

Dr. Peter K. Rogan Lab, Western University
No classification provided (evidence only). Condition: Uveal melanoma. Review status: no classification provided. Collection method: in vitro. Allele origin: not applicable. Functional consequence: retained intron. Not counted in ClinVar's aggregate classification.

NM_001322934.2(NFKB2):c.395+99A>G

Gene: NFKB2 (nuclear factor kappa B subunit 2; plus strand). Cytogenetic location: 10q24.32.
Variant type: single nucleotide variant.
Coding change: c.395+99A>G on transcript NM_001322934.2 (MANE Select); 99 bases into the intron after coding-DNA position 395, A replaced by G.
Molecular consequence: intron variant.
Genome position (GRCh38, 1-based): chr10:102,397,154, A>G. VCF-style: chr10-102397154-A-G. GRCh37 (hg19) VCF-style: chr10-104156911-A-G.
Other names: NC_000010.10:g.104156911A>G; c.395+99A>G (NM_001288724.1, NM_001322935.1, NM_001077494.3 and 2 more transcripts).
Identifiers: ClinVar variation 2628274 (VCV002628274.3), dbSNP rs12772374, ClinGen allele CA13167342.